The following is an entry in ClinVar:

ClinVar aggregate classification (germline): Uncertain significance (1 of 4 stars; one submission).

Conditions:
Pyruvate carboxylase deficiency. Also called: ATAXIA WITH LACTIC ACIDOSIS II; LEIGH NECROTIZING ENCEPHALOPATHY DUE TO PYRUVATE CARBOXYLASE DEFICIENCY; LEIGH SYNDROME DUE TO PYRUVATE CARBOXYLASE DEFICIENCY; PC DEFICIENCY; Pyruvate Carboxylase Deficiency Disease. Identifiers: Orphanet 3008, MedGen C0034341, MONDO:0009949, OMIM 266150.

Allele frequency attached by ClinVar (database versions not stated): gnomAD 0.00001; gnomAD exomes 0.00002; TOPMed 0.00003; ESP Exome Variant Server 0.00008.
gnomAD v4.1: 32 of 1,614,046 alleles (0.002%); highest among the groups gnomAD compares: Middle Eastern, 0.016%; no homozygotes.

Submission:

Labcorp Genetics (formerly Invitae), Labcorp
Classification: Uncertain significance for Pyruvate carboxylase deficiency. Last evaluated: 2021-12-31. Review status: criteria provided, single submitter. Criteria: Invitae Variant Classification Sherloc (09022015). Collection method: clinical testing. Allele origin: germline.
Comment: This sequence change replaces arginine, which is basic and polar, with glutamine, which is neutral and polar, at codon 997 of the PC protein (p.Arg997Gln). This variant is present in population databases (rs369282319, gnomAD 0.002%). This variant has not been reported in the literature in individuals affected with PC-related conditions. Algorithms developed to predict the effect of missense changes on protein structure and function are either unavailable or do not agree on the potential impact of this missense change (SIFT: "Deleterious"; PolyPhen-2: "Benign"; Align-GVGD: "Class C0"). In summary, the available evidence is currently insufficient to determine the role of this variant in disease. Therefore, it has been classified as a Variant of Uncertain Significance.

NM_001040716.2(PC):c.2990G>A (p.Arg997Gln)

Gene: PC (pyruvate carboxylase; minus strand). Cytogenetic location: 11q13.2.
Variant type: single nucleotide variant.
Coding change: c.2990G>A on transcript NM_001040716.2 (MANE Select); coding-DNA position 2990, G replaced by A.
Protein change: p.Arg997Gln; replaces arginine 997 with glutamine.
Molecular consequence: missense variant.
Genome position (GRCh38, 1-based): chr11:66,849,768, C>T on the plus strand (G>A on the coding strand, the complement: PC is on the minus strand). VCF-style: chr11-66849768-C-T. GRCh37 (hg19) VCF-style: chr11-66617239-C-T.
Other names: c.2990G>A, p.Arg997Gln (NM_000920.4, NM_022172.3); short protein forms R997Q.
Identifiers: ClinVar variation 2167345 (VCV002167345.1), dbSNP rs369282319, ClinGen allele CA224122148.
Genomic context (GRCh38, chr11:66,849,768, plus strand): 5'-AACACATCGGGGTACATAGCTGCTGAGAGCACATCTTCCGGCGTCACCTCCTCCCCATGC[C>T]GGTCTACCAGCTCCTTCTCCAGTGCCTGCAGATCCAGGGGAGGGAGGGAGGCTCCAGGCC-3'
Protein context (NP_001035806.1, residues 987-1007): LQALEKELVD[Arg997Gln]HGEEVTPEDV